The following is an entry in ClinVar:

NM_144687.4(NLRP12):c.290-13A>G

Gene: NLRP12 (NLR family pyrin domain containing 12; minus strand). Cytogenetic location: 19q13.42.
Variant type: single nucleotide variant.
Coding change: c.290-13A>G on transcript NM_144687.4 (MANE Select); 13 bases into the intron before coding-DNA position 290, A replaced by G.
Molecular consequence: intron variant.
Genome position (GRCh38, 1-based): chr19:53,815,001, T>C on the plus strand (A>G on the coding strand, the complement: NLRP12 is on the minus strand). VCF-style: chr19-53815001-T-C. GRCh37 (hg19) VCF-style: chr19-54318255-T-C.
Other names: c.290-13A>G (NM_001277129.1, NM_001277126.2).
Identifiers: ClinVar variation 1918270 (VCV001918270.6), dbSNP rs1260567098, ClinGen allele CA883508270.

ClinVar aggregate classification (germline): Uncertain significance. Review status: criteria provided, multiple submitters, no conflicts (2 of 4 stars). 2 submissions from 2 submitters: Uncertain significance (2). Last evaluated 2023-05-10.

Conditions:
Familial cold autoinflammatory syndrome 2 (FCAS2). Identifiers: Orphanet 247868, MedGen C2673198, MONDO:0012724, OMIM 611762.

Allele frequency attached by ClinVar (database versions not stated): gnomAD 0.00001; TOPMed 0.00001; gnomAD exomes 0.00003.
gnomAD v4.1: 38 of 1,603,066 alleles (0.0024%); highest among the groups gnomAD compares: Non-Finnish European, 0.0032%; no homozygotes.

Submissions (2):

Blueprint Genetics
Classification: Uncertain significance. Last evaluated: 2023-05-10. Review status: criteria provided, single submitter. Criteria: ACMG Guidelines, 2015. Collection method: clinical testing. Allele origin: germline.

Labcorp Genetics (formerly Invitae), Labcorp
Classification: Uncertain significance for Familial cold autoinflammatory syndrome 2. Last evaluated: 2023-01-31. Review status: criteria provided, single submitter. Criteria: Invitae Variant Classification Sherloc (09022015). Collection method: clinical testing. Allele origin: germline.
Comment: This sequence change falls in intron 1 of the NLRP12 gene. It does not directly change the encoded amino acid sequence of the NLRP12 protein. This variant is not present in population databases (gnomAD no frequency). This variant has not been reported in the literature in individuals affected with NLRP12-related conditions. Algorithms developed to predict the effect of sequence changes on RNA splicing suggest that this variant may create or strengthen a splice site. In summary, the available evidence is currently insufficient to determine the role of this variant in disease. Therefore, it has been classified as a Variant of Uncertain Significance.